The following is an entry in ClinVar:

NM_006648.4(WNK2):c.6176G>C (p.Arg2059Pro)

Gene: WNK2 (WNK lysine deficient protein kinase 2; plus strand). Cytogenetic location: 9q22.31.
Variant type: single nucleotide variant.
Coding change: c.6176G>C on transcript NM_006648.4 (MANE Select); coding-DNA position 6176, G replaced by C.
Protein change: p.Arg2059Pro; replaces arginine 2059 with proline.
Molecular consequence: missense variant.
Genome position (GRCh38, 1-based): chr9:93,300,111, G>C. VCF-style: chr9-93300111-G-C. GRCh37 (hg19) VCF-style: chr9-96062393-G-C.
Other names: c.6287G>C, p.Arg2096Pro (NM_001282394.3); short protein forms R2096P, R2059P.
Identifiers: ClinVar variation 3816865 (VCV003816865.1).

ClinVar aggregate classification (germline): Uncertain significance (1 of 4 stars; one submission).

gnomAD v4.1: 1 of 1,613,242 alleles (0.000062%); highest among the groups gnomAD compares: African/African-American, 0.0013%; no homozygotes.

Submission:

Ambry Genetics
Classification: Uncertain significance. Last evaluated: 2025-01-17. Review status: criteria provided, single submitter. Criteria: Ambry Variant Classification Scheme 2023. Collection method: clinical testing. Allele origin: germline.
Comment: The p.R2059P variant (also known as c.6176G>C), located in coding exon 25 of the WNK2 gene, results from a G to C substitution at nucleotide position 6176. The arginine at codon 2059 is replaced by proline, an amino acid with dissimilar properties. This amino acid position is conserved. In addition, this alteration is predicted to be deleterious by in silico analysis. Based on the available evidence, the clinical significance of this variant remains unclear.